The following is an entry in ClinVar:

ClinVar aggregate classification (germline): Uncertain significance (1 of 4 stars; one submission).

Submission:

Labcorp Genetics (formerly Invitae), Labcorp
Classification: Uncertain significance. Last evaluated: 2022-04-04. Review status: criteria provided, single submitter. Criteria: Invitae Variant Classification Sherloc (09022015). Collection method: clinical testing. Allele origin: germline.
Comment: Algorithms developed to predict the effect of missense changes on protein structure and function (SIFT, PolyPhen-2, Align-GVGD) all suggest that this variant is likely to be tolerated. This variant has not been reported in the literature in individuals affected with NUP62-related conditions. This variant is not present in population databases (gnomAD no frequency). This sequence change replaces threonine, which is neutral and polar, with serine, which is neutral and polar, at codon 253 of the NUP62 protein (p.Thr253Ser). In summary, the available evidence is currently insufficient to determine the role of this variant in disease. Therefore, it has been classified as a Variant of Uncertain Significance.

NM_016553.5(NUP62):c.757A>T (p.Thr253Ser)

Genes: IL4I1 (interleukin 4 induced 1; minus strand), NUP62 (nucleoporin 62; minus strand). Cytogenetic location: 19q13.33.
Variant type: single nucleotide variant.
Coding change: c.757A>T on transcript NM_016553.5 (MANE Select); coding-DNA position 757, A replaced by T.
Protein change: p.Thr253Ser; replaces threonine 253 with serine.
Molecular consequence: missense variant. On other transcripts: intron variant (3).
Genome position (GRCh38, 1-based): chr19:49,909,051, T>A on the plus strand (A>T on the coding strand, the complement: NUP62 is on the minus strand). VCF-style: chr19-49909051-T-A. GRCh37 (hg19) VCF-style: chr19-50412308-T-A.
Other names: c.757A>T, p.Thr253Ser (NM_001193357.2, NM_012346.5, NM_153718.4 and 1 more transcripts); c.-227-4730A>T (NM_001258017.2, NM_172374.3); c.-285-4730A>T (NM_001258018.2); short protein forms T253S.
Identifiers: ClinVar variation 2120502 (VCV002120502.4), dbSNP rs2514763555, ClinGen allele CA406925996.